The following is an entry in ClinVar:

ClinVar aggregate classification (germline): Benign/Likely benign. Review status: criteria provided, multiple submitters, no conflicts (2 of 4 stars). 3 submissions from 3 submitters: Benign (1); Likely benign (1). 1 of the submissions does not count toward it. Last evaluated 2023-09-01.

Conditions:
PDZD2-related disorder. Also called: PDZD2-related condition.

Allele frequency attached by ClinVar (database versions not stated): 1000 Genomes Project 0.00160; gnomAD 0.00213; 1000 Genomes Project 30x 0.00234; TOPMed 0.00248; ESP Exome Variant Server 0.00269.
gnomAD v4.1: 715 of 1,613,968 alleles (0.044%); highest among the groups gnomAD compares: African/African-American, 0.86%; 2 homozygotes.

Submissions (3):

CeGaT Center for Human Genetics Tuebingen
Classification: Likely benign. Last evaluated: 2023-09-01. Review status: criteria provided, single submitter. Criteria: CeGaT Center For Human Genetics Tuebingen Variant Classification Criteria Version 2. Collection method: clinical testing. Allele origin: germline. Affected: yes. Observed: 2 variant alleles.
Comment: PDZD2: BP4

Labcorp Genetics (formerly Invitae), Labcorp
Classification: Benign. Last evaluated: 2019-12-31. Review status: criteria provided, single submitter. Criteria: Invitae Variant Classification Sherloc (09022015). Collection method: clinical testing. Allele origin: germline.

PreventionGenetics, part of Exact Sciences
Classification: Benign for PDZD2-related condition. Last evaluated: 2019-12-23. Review status: no assertion criteria provided. Collection method: clinical testing. Allele origin: germline. Not counted in ClinVar's aggregate classification.
Comment: This variant is classified as benign based on ACMG/AMP sequence variant interpretation guidelines (Richards et al. 2015 PMID: 25741868, with internal and published modifications).

NM_178140.4(PDZD2):c.3460G>C (p.Asp1154His)

Gene: PDZD2 (PDZ domain containing 2; plus strand). Cytogenetic location: 5p13.3.
Variant type: single nucleotide variant.
Coding change: c.3460G>C on transcript NM_178140.4 (MANE Select); coding-DNA position 3460, G replaced by C.
Protein change: p.Asp1154His; replaces aspartic acid 1154 with histidine.
Molecular consequence: missense variant.
Genome position (GRCh38, 1-based): chr5:32,074,566, G>C. VCF-style: chr5-32074566-G-C. GRCh37 (hg19) VCF-style: chr5-32074672-G-C.
Other names: short protein forms D1154H.
Identifiers: ClinVar variation 720336 (VCV000720336.29), dbSNP rs34139068, ClinGen allele CA3219470.